The following is an entry in ClinVar:

ClinVar aggregate classification (germline): Uncertain significance. Review status: criteria provided, multiple submitters, no conflicts (2 of 4 stars). 2 submissions from 2 submitters: Uncertain significance (2). Last evaluated 2024-10-22.

Conditions:
Hereditary pancreatitis (PCTT). Also called: Hereditary chronic pancreatitis; PRSS1-Related Hereditary Pancreatitis. Identifiers: Orphanet 676, MedGen C0238339, MONDO:0008185, OMIM 167800.

Submissions (2):

Labcorp Genetics (formerly Invitae), Labcorp
Classification: Uncertain significance. Last evaluated: 2024-10-22. Review status: criteria provided, single submitter. Criteria: Invitae Variant Classification Sherloc (09022015). Collection method: clinical testing. Allele origin: germline.
Comment: This sequence change replaces arginine, which is basic and polar, with tryptophan, which is neutral and slightly polar, at codon 255 of the CPA1 protein (p.Arg255Trp). This variant is not present in population databases (gnomAD no frequency). This variant has not been reported in the literature in individuals affected with CPA1-related conditions. ClinVar contains an entry for this variant (Variation ID: 1450124). Invitae Evidence Modeling of protein sequence and biophysical properties (such as structural, functional, and spatial information, amino acid conservation, physicochemical variation, residue mobility, and thermodynamic stability) indicates that this missense variant is expected to disrupt CPA1 protein function with a positive predictive value of 80%. In summary, the available evidence is currently insufficient to determine the role of this variant in disease. Therefore, it has been classified as a Variant of Uncertain Significance.

Ambry Genetics
Classification: Uncertain significance for Hereditary pancreatitis. Last evaluated: 2023-04-24. Review status: criteria provided, single submitter. Criteria: Ambry Variant Classification Scheme 2023. Collection method: clinical testing. Allele origin: germline.
Comment: The p.R255W variant (also known as c.763A>T), located in coding exon 7 of the CPA1 gene, results from an A to T substitution at nucleotide position 763. The arginine at codon 255 is replaced by tryptophan, an amino acid with dissimilar properties. This amino acid position is conserved. In addition, the in silico prediction for this alteration is inconclusive. Since supporting evidence is limited at this time, the clinical significance of this alteration remains unclear.

NM_001868.4(CPA1):c.763A>T (p.Arg255Trp)

Gene: CPA1 (carboxypeptidase A1; plus strand). Cytogenetic location: 7q32.2.
Variant type: single nucleotide variant.
Coding change: c.763A>T on transcript NM_001868.4 (MANE Select); coding-DNA position 763, A replaced by T.
Protein change: p.Arg255Trp; replaces arginine 255 with tryptophan.
Molecular consequence: missense variant.
Genome position (GRCh38, 1-based): chr7:130,384,602, A>T. VCF-style: chr7-130384602-A-T. GRCh37 (hg19) VCF-style: chr7-130024443-A-T.
Other names: c.763A>T (NM_001868.2); short protein forms R255W.
Identifiers: ClinVar variation 1450124 (VCV001450124.12), dbSNP rs782085292, ClinGen allele CA369283017.